The following is an entry in ClinVar:

ClinVar aggregate classification (germline): Pathogenic (1 of 4 stars; one submission).

Submission:

GeneDx
Classification: Pathogenic. Last evaluated: 2024-12-27. Review status: criteria provided, single submitter. Criteria: GeneDx Variant Classification Process June 2021. Collection method: clinical testing. Allele origin: germline.
Comment: Frameshift variant predicted to result in protein truncation or nonsense mediated decay in a gene for which loss of function is a known mechanism of disease; Not observed at significant frequency in large population cohorts (gnomAD); This variant is associated with the following publications: (PMID: 30503522)

NM_000969.5(RPL5):c.474dup (p.Val159fs)

Genes: DIPK1A (divergent protein kinase domain 1A; minus strand), RPL5 (ribosomal protein L5; plus strand). Cytogenetic location: 1p22.1.
Variant type: Duplication.
Coding change: c.474dup on transcript NM_000969.5 (MANE Select); coding-DNA position 474, one base duplicated (A; older notation c.474dupA).
Protein change: p.Val159fs; shifts the reading frame from valine 159.
Molecular consequence: frameshift variant. On other transcripts: non-coding transcript variant (1), intron variant (1).
Genome position (GRCh38, 1-based): chr1:92,836,339, A duplicated; the last of 3 consecutive A bases (chr1:92,836,337-92,836,339); duplicating any one gives the same sequence. VCF-style (leftmost placement, unchanged base first): chr1-92836336-T-TA. GRCh37 (hg19) VCF-style: chr1-93301893-T-TA.
Other names: c.475-3303dup (NM_001252273.2); short protein forms V159fs.
Identifiers: ClinVar variation 3340635 (VCV003340635.2).
Genomic context (GRCh38, chr1:92,836,336, plus strand): 5'-TCAGCCAGGTGCCTTCACCTGCTATTTGGATGCAGGCCTTGCCAGAACTACCACTGGCAA[T>TA]AAAGTTTTTGGTGCCCTGAAGGGAGCTGTGGATGGAGGCTTGTCTATCCCTCACAGGTAA-3'